The following is an entry in ClinVar:

NM_017662.5(TRPM6):c.4057C>T (p.Arg1353Ter)

Gene: TRPM6 (transient receptor potential cation channel subfamily M member 6; minus strand). Cytogenetic location: 9q21.13.
Variant type: single nucleotide variant.
Coding change: c.4057C>T on transcript NM_017662.5 (MANE Select); coding-DNA position 4057, C replaced by T.
Protein change: p.Arg1353Ter; replaces arginine 1353 with a stop codon.
Molecular consequence: nonsense.
Genome position (GRCh38, 1-based): chr9:74,762,614, G>A on the plus strand (C>T on the coding strand, the complement: TRPM6 is on the minus strand). VCF-style: chr9-74762614-G-A. GRCh37 (hg19) VCF-style: chr9-77377530-G-A.
Other names: c.4042C>T, p.Arg1348Ter (NM_001177310.2, NM_001177311.2); short protein forms R1348*, R1353*.
Identifiers: ClinVar variation 1173100 (VCV001173100.4), dbSNP rs1444779891, ClinGen allele CA373686202.
Genomic context (GRCh38, chr9:74,762,614, plus strand): 5'-GCACATCTGGCACAGAGGGTCTGGACAGAGGCAAGACAGTTTCTGCTGAAAAAGGAACTC[G>A]CTTTAGATTAGAGGGGACCAGAAGAAACTGGCCATACTTTGAGTGTGCTTGCCTGTTAGG-3'

ClinVar aggregate classification (germline): Pathogenic (1 of 4 stars; one submission).

Conditions:
Intestinal hypomagnesemia 1. Also called: HYPOMAGNESEMIA, INTESTINAL, WITH SECONDARY HYPOCALCEMIA; HYPOMAGNESEMIC TETANY. Identifiers: Orphanet 30924, MedGen C1865974, MONDO:0011176, OMIM 602014.

Allele frequency attached by ClinVar (database versions not stated): gnomAD exomes below 0.00001 and 0.00001; TOPMed below 0.00001; gnomAD 0.00001.

Submission:

Diagnostics Services (NGS), CSIR - Centre For Cellular And Molecular Biology
Classification: Pathogenic for Intestinal hypomagnesemia 1. Last evaluated: 2021-05-11. Review status: criteria provided, single submitter. Criteria: ACMG Guidelines, 2015. Collection method: clinical testing. Allele origin: unknown. Inheritance: Autosomal recessive inheritance. Affected: yes. Observed: 1 variant allele, 1 compound heterozygote.
Comment: The c.4057C>T variant is not present in publicly available population databases like 1000 Genomes, Exome Variant Server (EVS) and Exome Aggregation Consortium (ExAC). The heterozygous state of the variant is present in Genome Aggregation Database (gnomAD) and dbSNP at a very low frequency. The variant is not present in Indian Exome Database [Kausthubham et al. Hum Mutat, 2021] and in our in-house exome database. The variant was not earlier reported to ClinVar, Human Genome Mutation Database (HGMD) and/or OMIM databases in any affected individuals. In-silico pathogenicity prediction programs like MutationTaster2, CADD, Varsome, InterVar etc. predicted this variant to be likely disease causing. The variant qualifies all the criterias of ACMG guidelines to be classified as pathogenic.